The following is an entry in ClinVar:

NM_000936.4(PNLIP):c.160C>G (p.Arg54Gly)

Gene: PNLIP (pancreatic lipase; plus strand). Cytogenetic location: 10q25.3.
Variant type: single nucleotide variant.
Coding change: c.160C>G on transcript NM_000936.4 (MANE Select); coding-DNA position 160, C replaced by G.
Protein change: p.Arg54Gly; replaces arginine 54 with glycine.
Molecular consequence: missense variant.
Genome position (GRCh38, 1-based): chr10:116,547,407, C>G. VCF-style: chr10-116547407-C-G. GRCh37 (hg19) VCF-style: chr10-118306919-C-G.
Other names: short protein forms R54G.
Identifiers: ClinVar variation 2415091 (VCV002415091.6), dbSNP rs142749694, ClinGen allele CA378490429.

ClinVar aggregate classification (germline): Uncertain significance (1 of 4 stars; one submission).

gnomAD v4.1: 2 of 1,613,940 alleles (0.00012%); highest among the groups gnomAD compares: African/African-American, 0.0013%; no homozygotes.

Submission:

Labcorp Genetics (formerly Invitae), Labcorp
Classification: Uncertain significance. Last evaluated: 2022-12-28. Review status: criteria provided, single submitter. Criteria: Invitae Variant Classification Sherloc (09022015). Collection method: clinical testing. Allele origin: germline.
Comment: Advanced modeling of protein sequence and biophysical properties (such as structural, functional, and spatial information, amino acid conservation, physicochemical variation, residue mobility, and thermodynamic stability) performed at Invitae indicates that this missense variant is not expected to disrupt PNLIP protein function. In summary, the available evidence is currently insufficient to determine the role of this variant in disease. Therefore, it has been classified as a Variant of Uncertain Significance. This variant has not been reported in the literature in individuals affected with PNLIP-related conditions. This variant is not present in population databases (gnomAD no frequency). This sequence change replaces arginine, which is basic and polar, with glycine, which is neutral and non-polar, at codon 54 of the PNLIP protein (p.Arg54Gly).